The following is an entry in ClinVar:

NM_015450.3(POT1):c.8T>C (p.Leu3Ser)

Gene: POT1 (protection of telomeres 1; minus strand). Cytogenetic location: 7q31.33.
Variant type: single nucleotide variant.
Coding change: c.8T>C on transcript NM_015450.3 (MANE Select); coding-DNA position 8, T replaced by C.
Protein change: p.Leu3Ser; replaces leucine 3 with serine.
Molecular consequence: missense variant. On other transcripts: 5 prime UTR variant (1), non-coding transcript variant (3).
Genome position (GRCh38, 1-based): chr7:124,897,166, A>G on the plus strand (T>C on the coding strand, the complement: POT1 is on the minus strand). VCF-style: chr7-124897166-A-G. GRCh37 (hg19) VCF-style: chr7-124537220-A-G.
Other names: c.-255T>C (NM_001042594.2); short protein forms L3S.
Identifiers: ClinVar variation 1045249 (VCV001045249.9), dbSNP rs1221048621, ClinGen allele CA369066361.

ClinVar aggregate classification (germline): Uncertain significance (1 of 4 stars; one submission).

Conditions:
Tumor predisposition syndrome 3 (TPDS3). Also called: Melanoma, cutaneous malignant, susceptibility to, 10; Glioma susceptibility 9; LONG TELOMERE SYNDROME, POT1-RELATED; POT1 Tumor Predisposition. Identifiers: Orphanet 618, MedGen C4014476, MONDO:0014368, OMIM 615848.

Allele frequency attached by ClinVar (database versions not stated): TOPMed below 0.00001.

Submission:

Labcorp Genetics (formerly Invitae), Labcorp
Classification: Uncertain significance for Tumor predisposition syndrome 3. Last evaluated: 2020-02-10. Review status: criteria provided, single submitter. Criteria: Invitae Variant Classification Sherloc (09022015). Collection method: clinical testing. Allele origin: germline.
Comment: This sequence change replaces leucine with serine at codon 3 of the POT1 protein (p.Leu3Ser). The leucine residue is weakly conserved and there is a large physicochemical difference between leucine and serine. This variant is not present in population databases (ExAC no frequency). This variant has not been reported in the literature in individuals with POT1-related conditions. Algorithms developed to predict the effect of missense changes on protein structure and function (SIFT, PolyPhen-2, Align-GVGD) all suggest that this variant is likely to be tolerated, but these predictions have not been confirmed by published functional studies and their clinical significance is uncertain. In summary, the available evidence is currently insufficient to determine the role of this variant in disease. Therefore, it has been classified as a Variant of Uncertain Significance.